The following is an entry in ClinVar:

NM_178857.6(RP1L1):c.31C>T (p.Pro11Ser)

Gene: RP1L1 (RP1 like 1). Cytogenetic location: 8p23.1.
Variant type: single nucleotide variant.
Coding change: c.31C>T on transcript NM_178857.6 (MANE Select); coding-DNA position 31, C replaced by T.
Protein change: p.Pro11Ser; replaces proline 11 with serine.
Molecular consequence: missense variant.
Genome position (GRCh38, 1-based): chr8:10,623,171, G>A on the plus strand (C>T on the coding strand, the complement: RP1L1 is on the minus strand). VCF-style: chr8-10623171-G-A. GRCh37 (hg19) VCF-style: chr8-10480681-G-A.
Other names: short protein forms P11S.
Identifiers: ClinVar variation 3608833 (VCV003608833.2).

ClinVar aggregate classification (germline): Uncertain significance (1 of 4 stars; one submission).

gnomAD v4.1: 18 of 1,579,118 alleles (0.0011%); highest among the groups gnomAD compares: Middle Eastern, 0.017%; no homozygotes.

Submission:

Labcorp Genetics (formerly Invitae), Labcorp
Classification: Uncertain significance. Last evaluated: 2024-06-12. Review status: criteria provided, single submitter. Criteria: Invitae Variant Classification Sherloc (09022015). Collection method: clinical testing. Allele origin: germline.
Comment: This sequence change replaces proline, which is neutral and non-polar, with serine, which is neutral and polar, at codon 11 of the RP1L1 protein (p.Pro11Ser). This variant is present in population databases (rs576818837, gnomAD 0.007%). This variant has not been reported in the literature in individuals affected with RP1L1-related conditions. Advanced modeling of protein sequence and biophysical properties (such as structural, functional, and spatial information, amino acid conservation, physicochemical variation, residue mobility, and thermodynamic stability) performed at Invitae indicates that this missense variant is not expected to disrupt RP1L1 protein function with a negative predictive value of 80%. In summary, the available evidence is currently insufficient to determine the role of this variant in disease. Therefore, it has been classified as a Variant of Uncertain Significance.